The following is an entry in ClinVar:

NM_017662.5(TRPM6):c.3032G>A (p.Arg1011Gln)

Gene: TRPM6 (transient receptor potential cation channel subfamily M member 6; minus strand). Cytogenetic location: 9q21.13.
Variant type: single nucleotide variant.
Coding change: c.3032G>A on transcript NM_017662.5 (MANE Select); coding-DNA position 3032, G replaced by A.
Protein change: p.Arg1011Gln; replaces arginine 1011 with glutamine.
Molecular consequence: missense variant.
Genome position (GRCh38, 1-based): chr9:74,782,741, C>T on the plus strand (G>A on the coding strand, the complement: TRPM6 is on the minus strand). VCF-style: chr9-74782741-C-T. GRCh37 (hg19) VCF-style: chr9-77397657-C-T.
Other names: c.3017G>A, p.Arg1006Gln (NM_001177310.2, NM_001177311.2); c.3032G>A (NM_017662.4); short protein forms R1011Q, R1006Q.
Identifiers: ClinVar variation 1966539 (VCV001966539.7), dbSNP rs375881559, ClinGen allele CA5084395.
Genomic context (GRCh38, chr9:74,782,741, plus strand): 5'-TCTATTTCTCCAGCATAGACTTCTCCGTATATCATCCAGTATGGCTCAAATACAATATCT[C>T]GAGCTAGACTCCAAGATGGTGGCTCTTTTGGCGAAAGGATGGCCTTGCGTGCCACTCCAA-3'
Protein context (NP_060132.3, residues 1001-1021): PKEPPSWSLA[Arg1011Gln]DIVFEPYWMI

ClinVar aggregate classification (germline): Uncertain significance. Review status: criteria provided, multiple submitters, no conflicts (2 of 4 stars). 3 submissions from 3 submitters: Uncertain significance (3). Last evaluated 2025-11-24.

Conditions:
Inborn genetic diseases. Identifiers: MedGen C0950123, MeSH D030342.

Allele frequency attached by ClinVar (database versions not stated): gnomAD 0.00001; TOPMed 0.00002; ExAC 0.00004; ESP Exome Variant Server 0.00008.

Submissions (3):

Ambry Genetics
Classification: Uncertain significance for Inborn genetic diseases. Last evaluated: 2025-11-24. Review status: criteria provided, single submitter. Criteria: Ambry Variant Classification Scheme 2023. Collection method: clinical testing. Allele origin: germline.

Blueprint Genetics
Classification: Uncertain significance. Last evaluated: 2024-03-15. Review status: criteria provided, single submitter. Criteria: ACMG Guidelines, 2015. Collection method: clinical testing. Allele origin: germline.

Labcorp Genetics (formerly Invitae), Labcorp
Classification: Uncertain significance. Last evaluated: 2022-02-20. Review status: criteria provided, single submitter. Criteria: Invitae Variant Classification Sherloc (09022015). Collection method: clinical testing. Allele origin: germline.
Comment: In summary, the available evidence is currently insufficient to determine the role of this variant in disease. Therefore, it has been classified as a Variant of Uncertain Significance. Algorithms developed to predict the effect of missense changes on protein structure and function are either unavailable or do not agree on the potential impact of this missense change (SIFT: "Deleterious"; PolyPhen-2: "Probably Damaging"; Align-GVGD: "Class C0"). This variant has not been reported in the literature in individuals affected with TRPM6-related conditions. This variant is present in population databases (rs375881559, gnomAD 0.01%). This sequence change replaces arginine, which is basic and polar, with glutamine, which is neutral and polar, at codon 1011 of the TRPM6 protein (p.Arg1011Gln).